The following is an entry in ClinVar:

NM_020919.4(ALS2):c.1008A>G (p.Ile336Met)

Gene: ALS2 (alsin Rho guanine nucleotide exchange factor ALS2; minus strand). Cytogenetic location: 2q33.1.
Variant type: single nucleotide variant.
Coding change: c.1008A>G on transcript NM_020919.4 (MANE Select); coding-DNA position 1008, A replaced by G.
Protein change: p.Ile336Met; replaces isoleucine 336 with methionine.
Molecular consequence: missense variant.
Genome position (GRCh38, 1-based): chr2:201,760,986, T>C on the plus strand (A>G on the coding strand, the complement: ALS2 is on the minus strand). VCF-style: chr2-201760986-T-C. GRCh37 (hg19) VCF-style: chr2-202625709-T-C.
Other names: c.1008A>G (NM_020919.3); c.1008A>G, p.Ile336Met (NM_001135745.2); short protein forms I336M.
Identifiers: ClinVar variation 1358781 (VCV001358781.9), dbSNP rs758265576, ClinGen allele CA2058563.

ClinVar aggregate classification (germline): Uncertain significance. Review status: criteria provided, multiple submitters, no conflicts (2 of 4 stars). 2 submissions from 2 submitters: Uncertain significance (2). Last evaluated 2021-07-09.

Conditions:
Inborn genetic diseases. Identifiers: MedGen C0950123, MeSH D030342.
Infantile-onset ascending hereditary spastic paralysis (IAHSP). Also called: Autosomal Recessive Juvenile Amyotrophic Lateral Sclerosis; Infantile-Onset Ascending Hereditary Spastic Paralysis (IAHSP). Identifiers: Orphanet 293168, MedGen C2931441, MONDO:0011797, OMIM 607225. Disease mechanism: loss of function.

Allele frequency attached by ClinVar (database versions not stated): ExAC 0.00001; gnomAD exomes 0.00001 and 0.00002.
gnomAD v4.1: 13 of 1,614,192 alleles (0.00081%); highest among the groups gnomAD compares: Middle Eastern, 0.016%; no homozygotes.

Submissions (2):

Ambry Genetics
Classification: Uncertain significance for Inborn genetic diseases. Last evaluated: 2021-07-09. Review status: criteria provided, single submitter. Criteria: Ambry Variant Classification Scheme 2023. Collection method: clinical testing. Allele origin: germline.

Labcorp Genetics (formerly Invitae), Labcorp
Classification: Uncertain significance for Infantile-onset ascending hereditary spastic paralysis. Last evaluated: 2021-06-05. Review status: criteria provided, single submitter. Criteria: Invitae Variant Classification Sherloc (09022015). Collection method: clinical testing. Allele origin: germline.
Comment: This variant is present in population databases (rs758265576, ExAC 0.001%). This sequence change replaces isoleucine with methionine at codon 336 of the ALS2 protein (p.Ile336Met). The isoleucine residue is weakly conserved and there is a small physicochemical difference between isoleucine and methionine. This variant has not been reported in the literature in individuals with ALS2-related conditions. In summary, the available evidence is currently insufficient to determine the role of this variant in disease. Therefore, it has been classified as a Variant of Uncertain Significance. Algorithms developed to predict the effect of missense changes on protein structure and function output the following: SIFT: "Tolerated"; PolyPhen-2: "Benign"; Align-GVGD: "Class C0". The methionine amino acid residue is found in multiple mammalian species, suggesting that this missense change does not adversely affect protein function. These predictions have not been confirmed by published functional studies and their clinical significance is uncertain.